The following is an entry in ClinVar:

NM_024884.3(L2HGDH):c.627A>G (p.Ala209=)

Gene: L2HGDH (L-2-hydroxyglutarate dehydrogenase; minus strand). Cytogenetic location: 14q21.3.
Variant type: single nucleotide variant.
Coding change: c.627A>G on transcript NM_024884.3 (MANE Select); coding-DNA position 627, A replaced by G.
Protein change: p.Ala209=; no amino-acid change (alanine 209 retained).
Molecular consequence: synonymous variant.
Genome position (GRCh38, 1-based): chr14:50,283,947, T>C on the plus strand (A>G on the coding strand, the complement: L2HGDH is on the minus strand). VCF-style: chr14-50283947-T-C. GRCh37 (hg19) VCF-style: chr14-50750665-T-C.
Identifiers: ClinVar variation 158800 (VCV000158800.23), dbSNP rs564306903, ClinGen allele CA172456.
Genomic context (GRCh38, chr14:50,283,947, plus strand): 5'-AGGACTTTCTTTAGCCATTTCAATACCTTTTACTTCAAAATTGGTCAAGACAGAGCCACC[T>C]GCTTCTTGGAAATCCTGGGCAAATGACAAAGCCACCTGCCGATAGTCCACAATGCCAGTA-3'
Protein context (NP_079160.1, residues 199-219): ALSFAQDFQE[Ala209=]GGSVLTNFEV

ClinVar aggregate classification (germline): Conflicting classifications of pathogenicity. Review status: criteria provided, conflicting classifications (1 of 4 stars). 3 submissions from 3 submitters: Uncertain significance (1); Likely benign (2). Last evaluated 2025-11-10.

Conditions:
L-2-hydroxyglutaric aciduria (L2HGA). Identifiers: Orphanet 79314, MedGen C1855995, MONDO:0009370, OMIM 236792, HP:0040144.

Allele frequency attached by ClinVar (database versions not stated): gnomAD 0.00002 and 0.00003; ExAC 0.00003; TOPMed 0.00003; gnomAD exomes 0.00005; 1000 Genomes Project 0.00020; 1000 Genomes Project 30x 0.00031.
gnomAD v4.1: 88 of 1,614,172 alleles (0.0055%); highest among the groups gnomAD compares: East Asian, 0.02%; no homozygotes.

Submissions (3):

Labcorp Genetics (formerly Invitae), Labcorp
Classification: Likely benign for L-2-hydroxyglutaric aciduria. Last evaluated: 2025-11-10. Review status: criteria provided, single submitter. Criteria: Invitae Variant Classification Sherloc (09022015). Collection method: clinical testing. Allele origin: germline.

CeGaT Center for Human Genetics Tuebingen
Classification: Likely benign. Last evaluated: 2025-07-01. Review status: criteria provided, single submitter. Criteria: CeGaT Center For Human Genetics Tuebingen Variant Classification Criteria Version 2. Collection method: clinical testing. Allele origin: germline. Affected: yes. Observed: 1 variant allele.
Comment: L2HGDH: BP4, BP7

Genetic Services Laboratory, University of Chicago
Classification: Uncertain significance for L-2-hydroxyglutaric aciduria. Last evaluated: 2014-04-10. Review status: criteria provided, single submitter. Criteria: ACMG Guidelines, 2007. Collection method: clinical testing. Allele origin: germline. Inheritance: Autosomal recessive inheritance.